The following is an entry in ClinVar:

ClinVar aggregate classification (germline): Uncertain significance (1 of 4 stars; one submission).

Conditions:
Familial hemophagocytic lymphohistiocytosis 2 (FHL2). Also called: PRF1-Related Familial Hemophagocytic Lymphohistiocytosis (PRF1-fHLH). Identifiers: Orphanet 540, MedGen C1863727, MONDO:0011337, OMIM 603553.

Allele frequency attached by ClinVar (database versions not stated): TOPMed below 0.00001.

Submission:

Labcorp Genetics (formerly Invitae), Labcorp
Classification: Uncertain significance for Familial hemophagocytic lymphohistiocytosis 2. Last evaluated: 2025-05-15. Review status: criteria provided, single submitter. Criteria: Invitae Variant Classification Sherloc (09022015). Collection method: clinical testing. Allele origin: germline.
Comment: This sequence change replaces glutamine, which is neutral and polar, with proline, which is neutral and non-polar, at codon 423 of the PRF1 protein (p.Gln423Pro). This variant is not present in population databases (gnomAD no frequency). This variant has not been reported in the literature in individuals affected with PRF1-related conditions. ClinVar contains an entry for this variant (Variation ID: 2879833). Invitae Evidence Modeling of protein sequence and biophysical properties (such as structural, functional, and spatial information, amino acid conservation, physicochemical variation, residue mobility, and thermodynamic stability) indicates that this missense variant is expected to disrupt PRF1 protein function with a positive predictive value of 95%. In summary, the available evidence is currently insufficient to determine the role of this variant in disease. Therefore, it has been classified as a Variant of Uncertain Significance.

NM_001083116.3(PRF1):c.1268A>C (p.Gln423Pro)

Gene: PRF1 (perforin 1; minus strand). Cytogenetic location: 10q22.1.
Variant type: single nucleotide variant.
Coding change: c.1268A>C on transcript NM_001083116.3 (MANE Select); coding-DNA position 1268, A replaced by C.
Protein change: p.Gln423Pro; replaces glutamine 423 with proline.
Molecular consequence: missense variant.
Genome position (GRCh38, 1-based): chr10:70,598,453, T>G on the plus strand (A>C on the coding strand, the complement: PRF1 is on the minus strand). VCF-style: chr10-70598453-T-G. GRCh37 (hg19) VCF-style: chr10-72358209-T-G.
Other names: c.1268A>C, p.Gln423Pro (NM_005041.6); short protein forms Q423P.
Identifiers: ClinVar variation 2879833 (VCV002879833.3), dbSNP rs1848160095, ClinGen allele CA376956280.